The following is an entry in ClinVar:

ClinVar aggregate classification (germline): Uncertain significance. Review status: criteria provided, multiple submitters, no conflicts (2 of 4 stars). 3 submissions from 3 submitters: Uncertain significance (3). Last evaluated 2023-11-22.

Conditions:
Rhizomelic chondrodysplasia punctata type 2 (RCDP2). Also called: Chondrodysplasia punctata, rhizomelic, due to dihydroxyacetonephosphate acyltransferase deficiency; Glyceronephosphate O-acyltransferase deficiency; DIHYDROXYACETONEPHOSPHATE ACYLTRANSFERASE DEFICIENCY; PEROXISOMAL DIHYDROXYACETONEPHOSPHATE ACYLTRANSFERASE DEFICIENCY; glyceronephosphate O-acyltransferase (GNPAT) deficiency; DHAPAT DEFICIENCY. Identifiers: Orphanet 177, Orphanet 309796, MedGen C1857242, MONDO:0100273, OMIM 222765. Disease mechanism: loss of function.

Allele frequency attached by ClinVar (database versions not stated): gnomAD 0.00004; TOPMed 0.00008; ExAC 0.00010; gnomAD exomes 0.00011 and 0.00013; ESP Exome Variant Server 0.00015.

Submissions (3):

ARUP Laboratories, Molecular Genetics and Genomics, ARUP Laboratories
Classification: Uncertain significance for Rhizomelic chondrodysplasia punctata type 2. Last evaluated: 2023-11-22. Review status: criteria provided, single submitter. Criteria: ARUP Molecular Germline Variant Investigation Process 2024. Collection method: clinical testing. Allele origin: germline.
Comment: The GNPAT c.917C>G; p.Ser306Cys variant (rs150822308), to our knowledge, is not reported in the medical literature but is reported in ClinVar (Variation ID: 1410573). This variant is found in the non-Finnish European population with an allele frequency of 0.0194% (25/129,110 alleles) in the Genome Aggregation Database. Computational analyses are uncertain whether this variant is neutral or deleterious (REVEL: 0.505). Due to limited information, the clinical significance of this variant is uncertain at this time.

Labcorp Genetics (formerly Invitae), Labcorp
Classification: Uncertain significance. Last evaluated: 2022-07-26. Review status: criteria provided, single submitter. Criteria: Invitae Variant Classification Sherloc (09022015). Collection method: clinical testing. Allele origin: germline.
Comment: This sequence change replaces serine, which is neutral and polar, with cysteine, which is neutral and slightly polar, at codon 306 of the GNPAT protein (p.Ser306Cys). This variant is present in population databases (rs150822308, gnomAD 0.02%). This variant has not been reported in the literature in individuals affected with GNPAT-related conditions. ClinVar contains an entry for this variant (Variation ID: 1410573). Algorithms developed to predict the effect of missense changes on protein structure and function are either unavailable or do not agree on the potential impact of this missense change (SIFT: "Deleterious"; PolyPhen-2: "Probably Damaging"; Align-GVGD: "Class C0"). In summary, the available evidence is currently insufficient to determine the role of this variant in disease. Therefore, it has been classified as a Variant of Uncertain Significance.

Fulgent Genetics
Classification: Uncertain significance for Rhizomelic chondrodysplasia punctata type 2. Last evaluated: 2022-04-26. Review status: criteria provided, single submitter. Criteria: ACMG Guidelines, 2015. Collection method: clinical testing. Allele origin: unknown.

NM_014236.4(GNPAT):c.917C>G (p.Ser306Cys)

Gene: GNPAT (glyceronephosphate O-acyltransferase; plus strand). Cytogenetic location: 1q42.2.
Variant type: single nucleotide variant.
Coding change: c.917C>G on transcript NM_014236.4 (MANE Select); coding-DNA position 917, C replaced by G.
Protein change: p.Ser306Cys; replaces serine 306 with cysteine.
Molecular consequence: missense variant.
Genome position (GRCh38, 1-based): chr1:231,266,158, C>G. VCF-style: chr1-231266158-C-G. GRCh37 (hg19) VCF-style: chr1-231401904-C-G.
Other names: c.734C>G, p.Ser245Cys (NM_001316350.2); short protein forms S245C, S306C.
Identifiers: ClinVar variation 1410573 (VCV001410573.7), dbSNP rs150822308, ClinGen allele CA1451906.
Genomic context (GRCh38, chr1:231,266,158, plus strand): 5'-AGATCTTGGAAGAAACTCTTTATGTGTATGAGCTTCTAGGGGTTCCTAAACCAAAAGAGT[C>G]TACAACTGTACGTGAGCTTGATTTTAGCTTAATTGAGAGAATGTGCTGACTGACACATCA-3'
Protein context (NP_055051.1, residues 296-316): ELLGVPKPKE[Ser306Cys]TTGLLKARKI